The following is an entry in ClinVar:

ClinVar aggregate classification (germline): Uncertain significance. Review status: criteria provided, multiple submitters, no conflicts (2 of 4 stars). 2 submissions from 2 submitters: Uncertain significance (2). Last evaluated 2025-06-22.

Conditions:
Long QT syndrome (LQTS). Identifiers: MedGen C0023976, MeSH D008133, MONDO:0002442. Disease mechanism: loss of function. Inheritance: Various modes of inheritance.
Cardiovascular phenotype. Identifiers: MedGen CN230736.

Allele frequency attached by ClinVar (database versions not stated): gnomAD exomes below 0.00001 and 0.00001; ExAC 0.00001.

Submissions (2):

Ambry Genetics
Classification: Uncertain significance for Cardiovascular phenotype. Last evaluated: 2025-06-22. Review status: criteria provided, single submitter. Criteria: Ambry Variant Classification Scheme 2023. Collection method: clinical testing. Allele origin: germline.
Comment: The p.S287N variant (also known as c.860G>A), located in coding exon 4 of the SNTA1 gene, results from a G to A substitution at nucleotide position 860. The serine at codon 287 is replaced by asparagine, an amino acid with highly similar properties. This amino acid position is conserved. In addition, this alteration is predicted to be tolerated by in silico analysis. Since supporting evidence is limited at this time, the clinical significance of this alteration remains unclear.

Labcorp Genetics (formerly Invitae), Labcorp
Classification: Uncertain significance for Long QT syndrome. Last evaluated: 2021-12-17. Review status: criteria provided, single submitter. Criteria: Invitae Variant Classification Sherloc (09022015). Collection method: clinical testing. Allele origin: germline.
Comment: In summary, the available evidence is currently insufficient to determine the role of this variant in disease. Therefore, it has been classified as a Variant of Uncertain Significance. Algorithms developed to predict the effect of missense changes on protein structure and function (SIFT, PolyPhen-2, Align-GVGD) all suggest that this variant is likely to be tolerated. This variant has not been reported in the literature in individuals affected with SNTA1-related conditions. This variant is present in population databases (rs780098159, gnomAD 0.0009%). This sequence change replaces serine, which is neutral and polar, with asparagine, which is neutral and polar, at codon 287 of the SNTA1 protein (p.Ser287Asn).

NM_003098.3(SNTA1):c.860G>A (p.Ser287Asn)

Gene: SNTA1 (syntrophin alpha 1; minus strand). Cytogenetic location: 20q11.21.
Variant type: single nucleotide variant.
Coding change: c.860G>A on transcript NM_003098.3 (MANE Select); coding-DNA position 860, G replaced by A.
Protein change: p.Ser287Asn; replaces serine 287 with asparagine.
Molecular consequence: missense variant.
Genome position (GRCh38, 1-based): chr20:33,412,624, C>T on the plus strand (G>A on the coding strand, the complement: SNTA1 is on the minus strand). VCF-style: chr20-33412624-C-T. GRCh37 (hg19) VCF-style: chr20-32000430-C-T.
Other names: c.860G>A (NM_003098.2); short protein forms S287N.
Identifiers: ClinVar variation 1405844 (VCV001405844.8), dbSNP rs780098159, ClinGen allele CA9817121.